The following is an entry in ClinVar:

NM_000383.4(AIRE):c.118G>C (p.Glu40Gln)

Gene: AIRE (autoimmune regulator; plus strand). Cytogenetic location: 21q22.3.
Variant type: single nucleotide variant.
Coding change: c.118G>C on transcript NM_000383.4 (MANE Select); coding-DNA position 118, G replaced by C.
Protein change: p.Glu40Gln; replaces glutamic acid 40 with glutamine.
Molecular consequence: missense variant.
Genome position (GRCh38, 1-based): chr21:44,286,124, G>C. VCF-style: chr21-44286124-G-C. GRCh37 (hg19) VCF-style: chr21-45706007-G-C.
Other names: short protein forms E40Q.
Identifiers: ClinVar variation 1445227 (VCV001445227.7), dbSNP rs867495755, ClinGen allele CA410423143.

ClinVar aggregate classification (germline): Uncertain significance. Review status: criteria provided, multiple submitters, no conflicts (2 of 4 stars). 2 submissions from 2 submitters: Uncertain significance (2). Last evaluated 2025-03-22.

Conditions:
Polyglandular autoimmune syndrome, type 1 (APS1). Also called: Whitaker syndrome; Autoimmune polyendocrinopathy syndrome, type I; AUTOIMMUNE POLYENDOCRINE SYNDROME, TYPE I, WITH OR WITHOUT REVERSIBLE METAPHYSEAL DYSPLASIA; APS I; Autoimmune polyendocrine syndrome type 1; Autoimmune polyendocrinopathy syndrome , type I, with or without reversible metaphyseal dysplasia. Identifiers: Orphanet 3453, MedGen C0085859, MONDO:0009411, OMIM 240300.

Allele frequency attached by ClinVar (database versions not stated): TOPMed below 0.00001; gnomAD 0.00001; gnomAD exomes 0.00001.

Submissions (2):

Labcorp Genetics (formerly Invitae), Labcorp
Classification: Uncertain significance for Polyglandular autoimmune syndrome, type 1. Last evaluated: 2025-03-22. Review status: criteria provided, single submitter. Criteria: Invitae Variant Classification Sherloc (09022015). Collection method: clinical testing. Allele origin: germline.
Comment: This sequence change replaces glutamic acid, which is acidic and polar, with glutamine, which is neutral and polar, at codon 40 of the AIRE protein (p.Glu40Gln). This variant is present in population databases (no rsID available, gnomAD 0.004%). This variant has not been reported in the literature in individuals affected with AIRE-related conditions. ClinVar contains an entry for this variant (Variation ID: 1445227). Invitae Evidence Modeling of protein sequence and biophysical properties (such as structural, functional, and spatial information, amino acid conservation, physicochemical variation, residue mobility, and thermodynamic stability) has been performed for this missense variant. However, the output from this modeling did not meet the statistical confidence thresholds required to predict the impact of this variant on AIRE protein function. In summary, the available evidence is currently insufficient to determine the role of this variant in disease. Therefore, it has been classified as a Variant of Uncertain Significance.

Blueprint Genetics
Classification: Uncertain significance. Last evaluated: 2021-09-10. Review status: criteria provided, single submitter. Criteria: ACMG Guidelines, 2015. Collection method: clinical testing. Allele origin: germline.